The following is an entry in ClinVar:

ClinVar aggregate classification (germline): Uncertain significance (1 of 4 stars; one submission).

Conditions:
Hereditary cancer-predisposing syndrome. Also called: Neoplastic Syndromes, Hereditary; Tumor predisposition; Hereditary Cancer Syndrome; Hereditary neoplastic syndrome. Identifiers: Orphanet 140162, MedGen C0027672, MeSH D009386, MONDO:0015356.

Submission:

Ambry Genetics
Classification: Uncertain significance for Hereditary cancer-predisposing syndrome. Last evaluated: 2022-07-28. Review status: criteria provided, single submitter. Criteria: Ambry Variant Classification Scheme 2023. Collection method: clinical testing. Allele origin: germline.
Comment: The p.L1190S variant (also known as c.3569T>C), located in coding exon 22 of the PTCH1 gene, results from a T to C substitution at nucleotide position 3569. The leucine at codon 1190 is replaced by serine, an amino acid with dissimilar properties. This amino acid position is conserved. In addition, this alteration is predicted to be tolerated by in silico analysis. Since supporting evidence is limited at this time, the clinical significance of this alteration remains unclear.

NM_000264.5(PTCH1):c.3569T>C (p.Leu1190Ser)

Gene: PTCH1 (patched 1; minus strand). Cytogenetic location: 9q22.32.
Variant type: single nucleotide variant.
Coding change: c.3569T>C on transcript NM_000264.5 (MANE Select); coding-DNA position 3569, T replaced by C.
Protein change: p.Leu1190Ser; replaces leucine 1190 with serine.
Molecular consequence: missense variant. On other transcripts: non-coding transcript variant (1).
Genome position (GRCh38, 1-based): chr9:95,449,304, A>G on the plus strand (T>C on the coding strand, the complement: PTCH1 is on the minus strand). VCF-style: chr9-95449304-A-G. GRCh37 (hg19) VCF-style: chr9-98211586-A-G.
Other names: c.3371T>C, p.Leu1124Ser (NM_001083602.3); c.3566T>C, p.Leu1189Ser (NM_001083603.3); c.3116T>C, p.Leu1039Ser (NM_001083604.3, NM_001083605.3, NM_001083606.3 and 1 more transcripts); c.3413T>C, p.Leu1138Ser (NM_001354918.2); short protein forms L1039S, L1138S, L1124S, L1189S, L1190S.
Identifiers: ClinVar variation 1732765 (VCV001732765.2), dbSNP rs2136602513, ClinGen allele CA374111380.